The following is an entry in ClinVar:

ClinVar aggregate classification (germline): Uncertain significance (1 of 4 stars; one submission).

Conditions:
Lower motor neuron syndrome with late-adult onset (SMAJ). Also called: Spinal muscular atrophy, Jokela type; Late-Onset Spinal Motor Neuronopathy (SMAJ). Identifiers: Orphanet 276435, MedGen C3554398, MONDO:0014025, OMIM 615048.
Frontotemporal dementia and/or amyotrophic lateral sclerosis 2. Also called: FTDALS2. Identifiers: Orphanet 275872, MedGen C4014648, MONDO:0014395, OMIM 615911.
Autosomal dominant mitochondrial myopathy with exercise intolerance (IMMD). Also called: Myopathy, isolated mitochondrial, autosomal dominant. Identifiers: Orphanet 457050, MedGen C4015513, MONDO:0014532, OMIM 616209.

Allele frequency attached by ClinVar (database versions not stated): TOPMed below 0.00001.

Submission:

Labcorp Genetics (formerly Invitae), Labcorp
Classification: Uncertain significance for Lower motor neuron syndrome with late-adult onset; Frontotemporal dementia and/or amyotrophic lateral sclerosis 2; Autosomal dominant mitochondrial myopathy with exercise intolerance. Last evaluated: 2023-03-09. Review status: criteria provided, single submitter. Criteria: Invitae Variant Classification Sherloc (09022015). Collection method: clinical testing. Allele origin: germline.
Comment: This variant has not been reported in the literature in individuals affected with CHCHD10-related conditions. In summary, the available evidence is currently insufficient to determine the role of this variant in disease. Therefore, it has been classified as a Variant of Uncertain Significance. An algorithm developed to predict the effect of missense changes on protein structure and function (PolyPhen-2) suggests that this variant is likely to be tolerated. ClinVar contains an entry for this variant (Variation ID: 1923992). This variant is not present in population databases (gnomAD no frequency). This sequence change replaces alanine, which is neutral and non-polar, with threonine, which is neutral and polar, at codon 103 of the CHCHD10 protein (p.Ala103Thr).

NM_213720.3(CHCHD10):c.307G>A (p.Ala103Thr)

Gene: CHCHD10 (coiled-coil-helix-coiled-coil-helix domain containing 10; minus strand). Cytogenetic location: 22q11.23.
Variant type: single nucleotide variant.
Coding change: c.307G>A on transcript NM_213720.3 (MANE Select); coding-DNA position 307, G replaced by A.
Protein change: p.Ala103Thr; replaces alanine 103 with threonine.
Molecular consequence: missense variant. On other transcripts: non-coding transcript variant (2).
Genome position (GRCh38, 1-based): chr22:23,766,230, C>T on the plus strand (G>A on the coding strand, the complement: CHCHD10 is on the minus strand). VCF-style: chr22-23766230-C-T. GRCh37 (hg19) VCF-style: chr22-24108417-C-T.
Other names: c.328G>A, p.Ala110Thr (NM_001301339.2); short protein forms A103T, A110T.
Identifiers: ClinVar variation 1923992 (VCV001923992.5), dbSNP rs562212051, ClinGen allele CA10145263.